The following is an entry in ClinVar:

NM_006939.4(SOS2):c.2452A>C (p.Asn818His)

Gene: SOS2 (SOS Ras/Rho guanine nucleotide exchange factor 2; minus strand). Cytogenetic location: 14q21.3.
Variant type: single nucleotide variant.
Coding change: c.2452A>C on transcript NM_006939.4 (MANE Select); coding-DNA position 2452, A replaced by C.
Protein change: p.Asn818His; replaces asparagine 818 with histidine.
Molecular consequence: missense variant.
Genome position (GRCh38, 1-based): chr14:50,145,529, T>G on the plus strand (A>C on the coding strand, the complement: SOS2 is on the minus strand). VCF-style: chr14-50145529-T-G. GRCh37 (hg19) VCF-style: chr14-50612247-T-G.
Other names: c.2353A>C, p.Asn785His (NM_001411020.1); short protein forms N785H, N818H.
Identifiers: ClinVar variation 3720777 (VCV003720777.3).

ClinVar aggregate classification (germline): Uncertain significance. Review status: criteria provided, multiple submitters, no conflicts (2 of 4 stars). 2 submissions from 2 submitters: Uncertain significance (2). Last evaluated 2025-01-23.

Conditions:
Noonan syndrome 9 (NS9). Identifiers: Orphanet 648, MedGen C4225282, MONDO:0014691, OMIM 616559.

Submissions (2):

Labcorp Genetics (formerly Invitae), Labcorp
Classification: Uncertain significance for Noonan syndrome 9. Last evaluated: 2025-01-23. Review status: criteria provided, single submitter. Criteria: Invitae Variant Classification Sherloc (09022015). Collection method: clinical testing. Allele origin: germline.
Comment: This sequence change replaces asparagine, which is neutral and polar, with histidine, which is basic and polar, at codon 818 of the SOS2 protein (p.Asn818His). This variant is not present in population databases (gnomAD no frequency). This variant has not been reported in the literature in individuals affected with SOS2-related conditions. Invitae Evidence Modeling of protein sequence and biophysical properties (such as structural, functional, and spatial information, amino acid conservation, physicochemical variation, residue mobility, and thermodynamic stability) has been performed for this missense variant. However, the output from this modeling did not meet the statistical confidence thresholds required to predict the impact of this variant on SOS2 protein function. In summary, the available evidence is currently insufficient to determine the role of this variant in disease. Therefore, it has been classified as a Variant of Uncertain Significance.

Blueprint Genetics
Classification: Uncertain significance. Last evaluated: 2022-02-18. Review status: criteria provided, single submitter. Criteria: ACMG Guidelines, 2015. Collection method: clinical testing. Allele origin: germline.